The following is an entry in ClinVar:

NM_001378454.1(ALMS1):c.11481C>T (p.Ser3827=)

Gene: ALMS1 (ALMS1 centrosome and basal body associated protein; plus strand). Cytogenetic location: 2p13.1.
Variant type: single nucleotide variant.
Coding change: c.11481C>T on transcript NM_001378454.1 (MANE Select); coding-DNA position 11481, C replaced by T.
Protein change: p.Ser3827=; no amino-acid change (serine 3827 retained).
Molecular consequence: synonymous variant.
Genome position (GRCh38, 1-based): chr2:73,573,358, C>T. VCF-style: chr2-73573358-C-T. GRCh37 (hg19) VCF-style: chr2-73800485-C-T.
Other names: c.11484C>T, p.Ser3828= (NM_015120.4).
Identifiers: ClinVar variation 650959 (VCV000650959.8), dbSNP rs549156484, ClinGen allele CA1715206.

ClinVar aggregate classification (germline): Conflicting classifications of pathogenicity. Review status: criteria provided, conflicting classifications (1 of 4 stars). 3 submissions from 3 submitters: Uncertain significance (2); Likely benign (1). Last evaluated 2025-08-18.

Conditions:
Cardiovascular phenotype. Identifiers: MedGen CN230736.
Alstrom syndrome (ALMS). Identifiers: Orphanet 64, MedGen C0268425, MONDO:0008763, OMIM 203800.

Allele frequency attached by ClinVar (database versions not stated): TOPMed 0.00002.
gnomAD v4.1: 2 of 1,613,950 alleles (0.00012%); highest among the groups gnomAD compares: African/African-American, 0.0013%; no homozygotes.

Submissions (3):

Labcorp Genetics (formerly Invitae), Labcorp
Classification: Likely benign for Alstrom syndrome. Last evaluated: 2025-08-18. Review status: criteria provided, single submitter. Criteria: Invitae Variant Classification Sherloc (09022015). Collection method: clinical testing. Allele origin: germline.

Ambry Genetics
Classification: Uncertain significance for Cardiovascular phenotype. Last evaluated: 2025-08-07. Review status: criteria provided, single submitter. Criteria: Ambry Variant Classification Scheme 2023. Collection method: clinical testing. Allele origin: germline.
Comment: The c.11484C>T variant (also known as p.S3828S), located in coding exon 16 of the ALMS1 gene, results from a C to T substitution at nucleotide position 11484. This nucleotide substitution does not change the amino acid at codon 3828. This nucleotide position is not well conserved in available vertebrate species. In silico splice site analysis predicts that this alteration may result in the creation or strengthening of a novel splice donor site. Based on the available evidence, the clinical significance of this variant remains unclear.

Fulgent Genetics
Classification: Uncertain significance for Alstrom syndrome. Last evaluated: 2022-04-15. Review status: criteria provided, single submitter. Criteria: ACMG Guidelines, 2015. Collection method: clinical testing. Allele origin: unknown.